The following is an entry in ClinVar:

NM_018122.5(DARS2):c.749T>C (p.Leu250Pro)

Gene: DARS2 (aspartyl-tRNA synthetase 2, mitochondrial; plus strand). Cytogenetic location: 1q25.1.
Variant type: single nucleotide variant.
Coding change: c.749T>C on transcript NM_018122.5 (MANE Select); coding-DNA position 749, T replaced by C.
Protein change: p.Leu250Pro; replaces leucine 250 with proline.
Molecular consequence: missense variant.
Genome position (GRCh38, 1-based): chr1:173,837,025, T>C. VCF-style: chr1-173837025-T-C. GRCh37 (hg19) VCF-style: chr1-173806163-T-C.
Other names: NM_018122.5(DARS2):c.749T>C; p.Leu250Pro; c.749T>C (NM_018122.4); c.749T>C, p.Leu250Pro (NM_001365212.1, NM_001365213.2); short protein forms L250P.
Identifiers: ClinVar variation 1364243 (VCV001364243.5), dbSNP rs778283912, ClinGen allele CA32773050.

ClinVar aggregate classification (germline): Conflicting classifications of pathogenicity. Review status: criteria provided, conflicting classifications (1 of 4 stars). 3 submissions from 3 submitters: Likely pathogenic (1); Uncertain significance (2). Last evaluated 2025-10-11.

Conditions:
Leukoencephalopathy with brain stem and spinal cord involvement-high lactate syndrome (LBSL). Also called: MITOCHONDRIAL ASPARTYL-tRNA SYNTHETASE DEFICIENCY; LEUKOENCEPHALOPATHY WITH BRAINSTEM AND SPINAL CORD INVOLVEMENT AND LACTATE ELEVATION, MILD; Leukoencephalopathy with Brainstem and Spinal Cord Involvement and Lactate Elevation. Identifiers: Orphanet 137898, MedGen C1970180, MONDO:0012622, OMIM 611105.

Allele frequency attached by ClinVar (database versions not stated): gnomAD exomes below 0.00001; TOPMed 0.00001.
gnomAD v4.1: 2 of 1,614,010 alleles (0.00012%); highest among the groups gnomAD compares: Admixed American, 0.0017%; no homozygotes.

Submissions (3):

GeneDx
Classification: Likely pathogenic. Last evaluated: 2025-10-11. Review status: criteria provided, single submitter. Criteria: GeneDx Variant Classification Process June 2021. Collection method: clinical testing. Allele origin: germline. Affected: yes.
Comment: Not observed at significant frequency in large population cohorts (gnomAD); In silico analysis supports that this missense variant has a deleterious effect on protein structure/function; This variant is associated with the following publications: (PMID: 23065766, 30635318, 28534666)

Broad Center for Mendelian Genomics, Broad Institute of MIT and Harvard
Classification: Uncertain significance for Leukoencephalopathy with brain stem and spinal cord involvement-high lactate syndrome. Last evaluated: 2025-01-21. Review status: criteria provided, single submitter. Criteria: ACMG Guidelines, 2015. Collection method: curation. Allele origin: germline. Inheritance: Autosomal recessive inheritance.
Comment: The p.Leu250Pro variant in DARS2 has been reported in 1 individual with leukoencephalopathy with brain stem and spinal cord involvement-high lactate syndrome (PMID: 23065766), and has been identified in 0.002% (1/60022) of Latino/Admixed American chromosomes by the Genome Aggregation Database (gnomAD; dbSNP rs778283912). Although this variant has been seen in the general population in a heterozygous state, its frequency is low enough to be consistent with a recessive carrier frequency. This variant has also been reported in ClinVar (Variation ID: 1364243) and has been interpreted as likely pathogenic by GeneDx and a variant of unknown significance by Invitae. Computational prediction tools and conservation analyses suggest that this variant may impact the protein, though this information is not predictive enough to determine pathogenicity. In summary, the clinical significance of the p.Leu250Pro variant is uncertain. ACMG/AMP Criteria applied: PP3_moderate, PM2_supporting (Richards 2015).

Labcorp Genetics (formerly Invitae), Labcorp
Classification: Uncertain significance. Last evaluated: 2022-06-05. Review status: criteria provided, single submitter. Criteria: Invitae Variant Classification Sherloc (09022015). Collection method: clinical testing. Allele origin: germline.
Comment: This sequence change replaces leucine, which is neutral and non-polar, with proline, which is neutral and non-polar, at codon 250 of the DARS2 protein (p.Leu250Pro). This variant is present in population databases (rs778283912, gnomAD 0.003%). This missense change has been observed in individual(s) with clinical features of leukoencephalopathy with brainstem and spinal cord involvement and lactate elevation (PMID: 23065766). ClinVar contains an entry for this variant (Variation ID: 1364243). Advanced modeling of protein sequence and biophysical properties (such as structural, functional, and spatial information, amino acid conservation, physicochemical variation, residue mobility, and thermodynamic stability) performed at Invitae indicates that this missense variant is expected to disrupt DARS2 protein function. This variant disrupts the p.Leu250Pro amino acid residue in DARS2. Other variant(s) that disrupt this residue have been observed in individuals with DARS2-related conditions (PMID: 33977142), which suggests that this may be a clinically significant amino acid residue. In summary, the available evidence is currently insufficient to determine the role of this variant in disease. Therefore, it has been classified as a Variant of Uncertain Significance.

Literature cited by the submitters: PubMed 23065766 (cited by Labcorp Genetics (formerly Invitae), Labcorp); PubMed 33977142 (cited by Labcorp Genetics (formerly Invitae), Labcorp).